The following is an entry in ClinVar:

ClinVar aggregate classification (germline): Uncertain significance (1 of 4 stars; one submission).

Submission:

Women's Health and Genetics/Laboratory Corporation of America, LabCorp
Classification: Uncertain significance. Last evaluated: 2025-05-19. Review status: criteria provided, single submitter. Criteria: LabCorp Variant Classification Summary - May 2015. Collection method: clinical testing. Allele origin: germline.
Comment: Variant summary: CUL3 c.*13A>T is located in the untranslated mRNA region downstream of the termination codon. The variant was absent in 248696 control chromosomes (gnomAD). The available data on variant occurrences in the general population are insufficient to allow any conclusion about variant significance. To our knowledge, no occurrence of c.*13A>T in individuals affected with CUL3-Related Disorders and no experimental evidence demonstrating its impact on protein function have been reported. No submitters have cited clinical-significance assessments for this variant to ClinVar. Based on the evidence outlined above, the variant was classified as uncertain significance.

NM_003590.5(CUL3):c.*13A>T

Gene: CUL3 (cullin 3; minus strand). Cytogenetic location: 2q36.2.
Variant type: single nucleotide variant.
Coding change: c.*13A>T on transcript NM_003590.5 (MANE Select); 13 bases downstream of the stop codon, A replaced by T.
Molecular consequence: 3 prime UTR variant.
Genome position (GRCh38, 1-based): chr2:224,474,232, T>A on the plus strand (A>T on the coding strand, the complement: CUL3 is on the minus strand). VCF-style: chr2-224474232-T-A. GRCh37 (hg19) VCF-style: chr2-225338949-T-A.
Other names: c.*13A>T (NM_001257197.2, NM_001257198.2).
Identifiers: ClinVar variation 3902150 (VCV003902150.1).